The following is an entry in ClinVar:

NM_000094.4(COL7A1):c.2162C>T (p.Ser721Leu)

Gene: COL7A1 (collagen type VII alpha 1 chain; minus strand). Cytogenetic location: 3p21.31.
Variant type: single nucleotide variant.
Coding change: c.2162C>T on transcript NM_000094.4 (MANE Select); coding-DNA position 2162, C replaced by T.
Protein change: p.Ser721Leu; replaces serine 721 with leucine.
Molecular consequence: missense variant.
Genome position (GRCh38, 1-based): chr3:48,589,607, G>A on the plus strand (C>T on the coding strand, the complement: COL7A1 is on the minus strand). VCF-style: chr3-48589607-G-A. GRCh37 (hg19) VCF-style: chr3-48627040-G-A.
Other names: short protein forms S721L.
Identifiers: ClinVar variation 1950712 (VCV001950712.2), dbSNP rs2531280321, ClinGen allele CA352725152.

ClinVar aggregate classification (germline): Uncertain significance (1 of 4 stars; one submission).

gnomAD v4.1: 3 of 1,613,340 alleles (0.00019%); highest among the groups gnomAD compares: South Asian, 0.0011%; no homozygotes.

Submission:

Labcorp Genetics (formerly Invitae), Labcorp
Classification: Uncertain significance. Last evaluated: 2021-05-19. Review status: criteria provided, single submitter. Criteria: Invitae Variant Classification Sherloc (09022015). Collection method: clinical testing. Allele origin: germline.
Comment: This sequence change replaces serine with leucine at codon 721 of the COL7A1 protein (p.Ser721Leu). The serine residue is weakly conserved and there is a large physicochemical difference between serine and leucine. This variant is not present in population databases (ExAC no frequency). This variant has not been reported in the literature in individuals with COL7A1-related conditions. Algorithms developed to predict the effect of missense changes on protein structure and function are either unavailable or do not agree on the potential impact of this missense change (SIFT: "Tolerated"; PolyPhen-2: "Not Available"; Align-GVGD: "Class C0"). In summary, the available evidence is currently insufficient to determine the role of this variant in disease. Therefore, it has been classified as a Variant of Uncertain Significance.